The following is an entry in ClinVar:

NM_001970.5(EIF5A):c.266T>A (p.Phe89Tyr)

Gene: EIF5A (eukaryotic translation initiation factor 5A; plus strand). Cytogenetic location: 17p13.1.
Variant type: single nucleotide variant.
Coding change: c.266T>A on transcript NM_001970.5 (MANE Select); coding-DNA position 266, T replaced by A.
Protein change: p.Phe89Tyr; replaces phenylalanine 89 with tyrosine.
Molecular consequence: missense variant.
Genome position (GRCh38, 1-based): chr17:7,311,118, T>A. VCF-style: chr17-7311118-T-A. GRCh37 (hg19) VCF-style: chr17-7214437-T-A.
Other names: c.356T>A, p.Phe119Tyr (NM_001143760.1); c.266T>A, p.Phe89Tyr (NM_001143761.1, NM_001143762.2, NM_001370420.1 and 1 more transcripts); short protein forms F119Y, F89Y.
Identifiers: ClinVar variation 3602367 (VCV003602367.3).

ClinVar aggregate classification (germline): Uncertain significance (1 of 4 stars; one submission).

Submission:

GeneDx
Classification: Uncertain significance. Last evaluated: 2026-09-26. Review status: criteria provided, single submitter. Criteria: GeneDx Variant Classification Process June 2021. Collection method: clinical testing. Allele origin: germline.
Comment: Not observed at significant frequency in large population cohorts (gnomAD); In silico analysis suggests that this missense variant does not alter protein structure/function; Has not been previously published as pathogenic or benign to our knowledge